The following is an entry in ClinVar:

ClinVar aggregate classification (germline): Uncertain significance. Review status: criteria provided, multiple submitters, no conflicts (2 of 4 stars). 2 submissions from 2 submitters: Uncertain significance (2). Last evaluated 2023-10-30.

Conditions:
Inborn genetic diseases. Identifiers: MedGen C0950123, MeSH D030342.

gnomAD v4.1: 5 of 1,614,252 alleles (0.00031%); highest among the groups gnomAD compares: Admixed American, 0.0067%; no homozygotes.

Submissions (2):

Labcorp Genetics (formerly Invitae), Labcorp
Classification: Uncertain significance. Last evaluated: 2023-10-30. Review status: criteria provided, single submitter. Criteria: Invitae Variant Classification Sherloc (09022015). Collection method: clinical testing. Allele origin: germline.
Comment: This sequence change replaces threonine, which is neutral and polar, with proline, which is neutral and non-polar, at codon 1382 of the MYO3A protein (p.Thr1382Pro). This variant is present in population databases (rs779234443, gnomAD 0.003%). This variant has not been reported in the literature in individuals affected with MYO3A-related conditions. ClinVar contains an entry for this variant (Variation ID: 1926351). Advanced modeling of protein sequence and biophysical properties (such as structural, functional, and spatial information, amino acid conservation, physicochemical variation, residue mobility, and thermodynamic stability) performed at Invitae indicates that this missense variant is not expected to disrupt MYO3A protein function with a negative predictive value of 80%. In summary, the available evidence is currently insufficient to determine the role of this variant in disease. Therefore, it has been classified as a Variant of Uncertain Significance.

Ambry Genetics
Classification: Uncertain significance for Inborn genetic diseases. Last evaluated: 2022-10-26. Review status: criteria provided, single submitter. Criteria: Ambry Variant Classification Scheme 2023. Collection method: clinical testing. Allele origin: germline.

NM_017433.5(MYO3A):c.4144A>C (p.Thr1382Pro)

Gene: MYO3A (myosin IIIA; plus strand). Cytogenetic location: 10p12.1.
Variant type: single nucleotide variant.
Coding change: c.4144A>C on transcript NM_017433.5 (MANE Select); coding-DNA position 4144, A replaced by C.
Protein change: p.Thr1382Pro; replaces threonine 1382 with proline.
Molecular consequence: missense variant.
Genome position (GRCh38, 1-based): chr10:26,174,408, A>C. VCF-style: chr10-26174408-A-C. GRCh37 (hg19) VCF-style: chr10-26463337-A-C.
Other names: short protein forms T1382P.
Identifiers: ClinVar variation 1926351 (VCV001926351.6), dbSNP rs779234443, ClinGen allele CA5445386.
Genomic context (GRCh38, chr10:26,174,408, plus strand): 5'-AGAAGGCAGCAGTTGAGGAAGGACAAGATGTCTTCTTTTAAGCATCAGAGGATTGTCACA[A>C]CACCAACAGAAGTAGCAAGAAACACTCATAATTTGTATTCCTATCCCACAAAACATGAGG-3'
Protein context (NP_059129.3, residues 1372-1392): SSFKHQRIVT[Thr1382Pro]PTEVARNTHN